The following is an entry in ClinVar:

NM_015599.3(PGM3):c.1214_1216delinsA (p.Leu405fs)

Gene: PGM3 (phosphoglucomutase 3; minus strand). Cytogenetic location: 6q14.1.
Variant type: Indel.
Coding change: c.1214_1216delinsA on transcript NM_015599.3 (MANE Select); coding-DNA positions 1214 to 1216, TTG replaced by A.
Protein change: p.Leu405fs; shifts the reading frame from leucine 405.
Molecular consequence: frameshift variant. On other transcripts: non-coding transcript variant (1).
Genome position (GRCh38, 1-based): chr6:83,174,400-83,174,402, CAA replaced by T on the plus strand (TTG replaced by A on the coding strand, the reverse complement: PGM3 is on the minus strand). VCF-style: chr6-83174400-CAA-T. GRCh37 (hg19) VCF-style: chr6-83884119-CAA-T.
Other names: c.1298_1300delinsA, p.Leu433fs (NM_001199917.2, NM_001367287.1); c.971_973delinsA, p.Leu324fs (NM_001199918.2); c.1214_1216delinsA, p.Leu405fs (NM_001199919.2, NM_001367286.1); short protein forms L324fs, L405fs, L433fs.
Identifiers: ClinVar variation 4537096 (VCV004537096.1).

ClinVar aggregate classification (germline): Pathogenic (1 of 4 stars; one submission).

Conditions:
Severe combined immunodeficiency disease. Also called: Severe combined immunodeficiency; Severe Combined Immune Deficiency. Identifiers: Orphanet 183660, MedGen C0085110, MeSH D016511, MONDO:0015974, HP:0004430. Inheritance: X-Linked or Autosomal recessive.

Submission:

Women's Health and Genetics/Laboratory Corporation of America, LabCorp
Classification: Pathogenic for Severe combined immunodeficiency disease. Last evaluated: 2025-11-04. Review status: criteria provided, single submitter. Criteria: LabCorp Variant Classification Summary - May 2015. Collection method: clinical testing. Allele origin: germline.
Comment: Variant summary: PGM3 c.1298_1300delinsA (p.Leu433GlnfsX5) results in a premature termination codon, predicted to cause a truncation of the encoded protein or absence of the protein due to nonsense mediated decay, which are commonly known mechanisms for disease. The variant was absent in 31398 control chromosomes. To our knowledge, no occurrence of c.1298_1300delinsA in individuals affected with PGM3-related conditions and no experimental evidence demonstrating its impact on protein function have been reported. No submitters have cited clinical-significance assessments for this variant to ClinVar. Based on the evidence outlined above, the variant was classified as pathogenic.